The following is an entry in ClinVar:

NM_001875.5(CPS1):c.1724del (p.Lys575fs)

Gene: CPS1 (carbamoyl-phosphate synthase 1; plus strand). Cytogenetic location: 2q34.
Variant type: Deletion.
Coding change: c.1724del on transcript NM_001875.5 (MANE Select); coding-DNA position 1724, one base deleted (A; older notation c.1724delA).
Protein change: p.Lys575fs; shifts the reading frame from lysine 575.
Molecular consequence: frameshift variant. On other transcripts: non-coding transcript variant (2).
Genome position (GRCh38, 1-based): chr2:210,602,218, A deleted; the last of 2 consecutive A bases (chr2:210,602,217-210,602,218); deleting either gives the same sequence. VCF-style (leftmost placement, unchanged base first): chr2-210602216-GA-G. GRCh37 (hg19) VCF-style: chr2-211466940-GA-G.
Other names: c.1724del, p.Lys575fs (NM_001122633.3, NM_001369257.1); c.1757del, p.Lys586fs (NM_001369256.1); c.1724delA, p.Lys575Argfs (NM_001875.4); short protein forms K575fs, K586fs.
Identifiers: ClinVar variation 4065342 (VCV004065342.2).

ClinVar aggregate classification (germline): Likely pathogenic (1 of 4 stars; one submission).

Conditions:
Congenital hyperammonemia, type I. Also called: CPS I DEFICIENCY; Carbamoyl phosphate synthetase 1 deficiency; Hyperammonemia due to carbamoyl phosphate synthetase 1 deficiency; CPS 1 deficiency; Carbamyl phosphate synthetase (CPS) deficiency; Carbamoyl phosphate synthetase I deficiency disease. Identifiers: Orphanet 147, MedGen C4082171, MONDO:0009376, OMIM 237300.

Submission:

Natera, Inc.
Classification: Likely pathogenic for Carbamoyl-phosphate synthase I deficiency. Last evaluated: 2025-02-28. Review status: criteria provided, single submitter. Criteria: Natera Variant Classification Schema (03/2026). Collection method: clinical testing. Allele origin: germline.
Comment: The c.1724del variant in CPS1 is a frameshift variant predicted to shift the reading frame beginning at codon 575 and leads to a stop codon 10 codons downstream. This variant is expected to result in nonsense mediated decay, truncation, or a dysfunctional protein product. This variant is rare in the general population with a frequency below the threshold expected for the associated phenotype(s). Given the available evidence, this variant is classified as Likely Pathogenic.